The following is an entry in ClinVar:

ClinVar aggregate classification (germline): Likely pathogenic (1 of 4 stars; one submission).

Conditions:
Nemaline myopathy 2 (NEM2). Also called: Nemaline myopathy 2, autosomal recessive. Identifiers: MedGen C1850569, MONDO:0009725, OMIM 256030.

Submission:

Myriad Genetics, Inc.
Classification: Likely pathogenic for Nemaline myopathy 2. Last evaluated: 2021-11-05. Review status: criteria provided, single submitter. Criteria: Myriad Women's Health Autosomal Recessive and X-Linked Classification Criteria (2021). Collection method: clinical testing. Allele origin: unknown.
Comment: NM_001271208.1(NEB):c.3401delA(K1134Sfs*50) is expected to be pathogenic in the context of NEB-related nemaline myopathy. This variant is predicted to lead to an abnormal or absent protein product due to the creation of a premature termination codon in NEB, a gene where loss-of-function variants are known to be pathogenic. Please note: this variant was assessed in the context of healthy population screening.

NM_001164508.2(NEB):c.3401del (p.Lys1134fs)

Gene: NEB (nebulin; minus strand). Cytogenetic location: 2q23.3.
Variant type: Deletion.
Coding change: c.3401del on transcript NM_001164508.2 (MANE Select); coding-DNA position 3401, one base deleted (A; older notation c.3401delA).
Protein change: p.Lys1134fs; shifts the reading frame from lysine 1134.
Molecular consequence: frameshift variant.
Genome position (GRCh38, 1-based): chr2:151,678,042, T deleted on the plus strand (A on the coding strand, the reverse complement: NEB is on the minus strand); the first of 3 consecutive T bases (chr2:151,678,042-151,678,044); deleting any one gives the same sequence. VCF-style (leftmost placement, unchanged base first): chr2-151678041-CT-C. GRCh37 (hg19) VCF-style: chr2-152534555-CT-C.
Other names: c.3401del, p.Lys1134fs (NM_001164507.2, NM_001271208.2, NM_004543.5); short protein forms K1134fs.
Identifiers: ClinVar variation 1724098 (VCV001724098.2), dbSNP rs2148495720, ClinGen allele CA2580064147.
Genomic context (GRCh38, chr2:151,678,041, plus strand): 5'-ATCCTGGGCTTTCTTAGCCGCCACGACATTGAACATATCATGGGGCGTGTTGTATTTGGA[CT>C]TTGTCTTCTCATAGTCTTTTTTATACTCCCGATCTGATTGTATCTTGGCCACGTTCATAT-3'